The following is an entry in ClinVar:

NM_000400.4(ERCC2):c.352C>A (p.His118Asn)

Gene: ERCC2 (ERCC excision repair 2, TFIIH core complex helicase subunit; minus strand). Cytogenetic location: 19q13.32.
Variant type: single nucleotide variant.
Coding change: c.352C>A on transcript NM_000400.4 (MANE Select); coding-DNA position 352, C replaced by A.
Protein change: p.His118Asn; replaces histidine 118 with asparagine.
Molecular consequence: missense variant.
Genome position (GRCh38, 1-based): chr19:45,368,638, G>T on the plus strand (C>A on the coding strand, the complement: ERCC2 is on the minus strand). VCF-style: chr19-45368638-G-T. GRCh37 (hg19) VCF-style: chr19-45871896-G-T.
Other names: c.280C>A, p.His94Asn (NM_001130867.2); short protein forms H94N, H118N.
Identifiers: ClinVar variation 1732343 (VCV001732343.2), dbSNP rs2514043633, ClinGen allele CA406377960.

ClinVar aggregate classification (germline): Uncertain significance (1 of 4 stars; one submission).

Conditions:
Inborn genetic diseases. Identifiers: MedGen C0950123, MeSH D030342.

Submission:

Ambry Genetics
Classification: Uncertain significance for Inborn genetic diseases. Last evaluated: 2021-12-11. Review status: criteria provided, single submitter. Criteria: Ambry Variant Classification Scheme 2023. Collection method: clinical testing. Allele origin: germline.
Comment: The p.H118N variant (also known as c.352C>A), located in coding exon 5 of the ERCC2 gene, results from a C to A substitution at nucleotide position 352. The histidine at codon 118 is replaced by asparagine, an amino acid with similar properties. This amino acid position is conserved. In addition, this alteration is predicted to be tolerated by in silico analysis. Since supporting evidence is limited at this time, the clinical significance of this alteration remains unclear.